The following is an entry in ClinVar:

ClinVar aggregate classification (germline): association (0 of 4 stars; one submission).

Conditions:
Essential hypertension. Identifiers: MedGen C0085580, MONDO:0001134.

Allele frequency attached by ClinVar (database versions not stated): gnomAD 0.23082 and 0.23174; TOPMed 0.23391; 1000 Genomes Project 0.23982; 1000 Genomes Project 30x 0.24422.
gnomAD v4.1: 35,090 of 151,980 alleles (23%); highest among the groups gnomAD compares: African/African-American, 33%; 4,388 homozygotes.

Submission:

College of Pharmacy, University of Babylon
Classification: association for Essential hypertension, genetic. Last evaluated: 2015-07-01. Review status: no assertion criteria provided. Collection method: case-control. Allele origin: germline. Inheritance: Autosomal recessive inheritance. Affected: yes.
Comment: A case-control association study with enrolling individuals belonging to Arab ancestry from Babylon province, Iraq. The study enrolled 100 cases of well diagnosed essential hypertensive patients and 70 controls of carefully selected normotensive individuals. For genotyping, we designed and optimized ‘polymerase chain reaction-restriction fragment length polymorphisms (PCR-RFLP)’ and ‘polymerase chain reaction amplification of multiple specific alleles (PAMSA)’ methods, and each sample was genotyped by the two methods to ensure precise genotyping. Concerning UMOD rs13333226, the results showed that allele A conferred an additional risk for essential hypertension with odds ratio 1.75 (C.I.1.03-2.96) (P =0.035), while the G allele represents a protective allele conferring a lesser susceptibility for hypertension (OR = 0.57, C.I. 0.33-0.96). The genotypic association under different inheritance models showed that the A allele was inherited as a recessive risk allele, the GG+AG to AA odd ratio equal to 2.17 (C.I. 1.14-4.11)( P = 0.022). When the association was tested in each gender, the association and odds ratio increased further in the males, in which the A allele recorded with an odds ratio of 3.28 (C.I. 1.43-7.50 ) and P value of 0.0035, while the females did not record any significant association. We concluded that the rs13333226 variant of the UMOD gene represents a genetic factor that can modulate the susceptibility to develop essential hypertension in males from Arab ancestry of Babylon province.

Literature cited by the submitters: Association of Uromodulin rs13333226 and Angiotensinogen rs699 genes variants with essential hypertension in Arab Iraqis of Babylon province. Res. J. Pharm. Biol. Chem. Sci. 6(6):589.

NC_000016.10:g.20354332A>G

Gene: UMOD (uromodulin; minus strand). Cytogenetic location: 16p12.3.
Variant type: single nucleotide variant.
Genome position: GRCh38 VCF-style: chr16-20354332-A-G. GRCh37 (hg19) VCF-style: chr16-20365654-A-G.
Identifiers: ClinVar variation 219224 (VCV000219224.2), dbSNP rs13333226, ClinGen allele CA280079.